The following is an entry in ClinVar:

ClinVar aggregate classification (germline): Uncertain significance. Review status: criteria provided, single submitter (1 of 4 stars). 2 submissions from 2 submitters: Uncertain significance (1). 1 of the submissions does not count toward it. Last evaluated 2018-06-28.

Conditions:
Methylcobalamin deficiency type cblE (HMAE). Also called: HOMOCYSTINURIA-MEGALOBLASTIC ANEMIA, cblE COMPLEMENTATION TYPE; HOMOCYSTINURIA-MEGALOBLASTIC ANEMIA, cblE TYPE; VITAMIN B12-RESPONSIVE HOMOCYSTINURIA, cblE TYPE. Identifiers: Orphanet 2169, Orphanet 622, MedGen C1856057, MONDO:0009354, OMIM 236270.

Allele frequency attached by ClinVar (database versions not stated): gnomAD exomes below 0.00001.

Submissions (2):

Baylor Genetics
Classification: Uncertain significance for Methylcobalamin deficiency type cblE. Last evaluated: 2018-06-28. Review status: criteria provided, single submitter. Criteria: ACMG Guidelines, 2015. Collection method: clinical testing. Allele origin: unknown. Affected: yes.
Comment: This variant was determined to be of uncertain significance according to ACMG Guidelines, 2015 [PMID:25741868].

Natera, Inc.
Classification: Uncertain significance for CblE complementation type homocystinuria-megaloblastic anemia due to defect in cobalamin metabolism. Last evaluated: 2025-02-18. Review status: no assertion criteria provided. Collection method: clinical testing. Allele origin: germline. Not counted in ClinVar's aggregate classification.

NM_002454.3(MTRR):c.485A>G (p.Glu162Gly)

Gene: MTRR (5-methyltetrahydrofolate-homocysteine methyltransferase reductase; plus strand). Cytogenetic location: 5p15.31.
Variant type: single nucleotide variant.
Coding change: c.485A>G on transcript NM_002454.3 (MANE Select); coding-DNA position 485, A replaced by G.
Protein change: p.Glu162Gly; replaces glutamic acid 162 with glycine.
Molecular consequence: missense variant. On other transcripts: non-coding transcript variant (14).
Genome position (GRCh38, 1-based): chr5:7,878,027, A>G. VCF-style: chr5-7878027-A-G. GRCh37 (hg19) VCF-style: chr5-7878140-A-G.
Other names: c.485A>G, p.Glu162Gly (NM_001364442.2, NM_024010.4, NM_001364440.2 and 1 more transcripts); short protein forms E162G.
Identifiers: ClinVar variation 1033922 (VCV001033922.2), dbSNP rs1734869328, ClinGen allele CA359156839.
Genomic context (GRCh38, chr5:7,878,027, plus strand): 5'-GGATTGCTGGACTCTGGCCAGCCCTCAGAAAGCATTTTAGGTCAAGCAGAGGACAAGAGG[A>G]GATAAGTGGCGCACTCCCGGTGGCATCACCTGCATCCTCGAGGACAGACCTTGTGAAGTC-3'
Protein context (NP_002445.2, residues 152-172): KHFRSSRGQE[Glu162Gly]ISGALPVASP